The following is an entry in ClinVar:

ClinVar aggregate classification (germline): Benign. Review status: criteria provided, multiple submitters, no conflicts (2 of 4 stars). 2 submissions from 2 submitters: Benign (2). Last evaluated 2018-06-14.

Allele frequency attached by ClinVar (database versions not stated): 1000 Genomes Project 0.02256; gnomAD 0.04253 and 0.04358; 1000 Genomes Project 30x 0.02233; TOPMed 0.03607.
gnomAD v4.1: 6,434 of 152,302 alleles (4.2%); highest among the groups gnomAD compares: Admixed American, 5.7%; 216 homozygotes.

Submissions (6):

GeneDx
Classification: Benign. Last evaluated: 2018-06-14. Review status: criteria provided, single submitter. Criteria: GeneDx Variant Classification (06012015). Collection method: clinical testing. Allele origin: germline. Affected: yes.
Comment: This variant is considered likely benign or benign based on one or more of the following criteria: it is a conservative change, it occurs at a poorly conserved position in the protein, it is predicted to be benign by multiple in silico algorithms, and/or has population frequency not consistent with disease.

Breakthrough Genomics
Classification: Benign. Review status: criteria provided, single submitter. Criteria: ACMG Guidelines, 2015. Collection method: not provided. Allele origin: germline. Inheritance: Autosomal recessive inheritance. Affected: yes.

Dr. Peter K. Rogan Lab, Western University
No classification provided (evidence only). Condition: Hepatocellular carcinoma. Review status: no classification provided. Collection method: in vitro. Allele origin: not applicable. Functional consequence: retained intron. Not counted in ClinVar's aggregate classification.

Dr. Peter K. Rogan Lab, Western University
No classification provided (evidence only). Condition: Thymoma. Review status: no classification provided. Collection method: in vitro. Allele origin: not applicable. Functional consequence: retained intron. Not counted in ClinVar's aggregate classification.

Dr. Peter K. Rogan Lab, Western University
No classification provided (evidence only). Condition: Malignant tumor of esophagus. Review status: no classification provided. Collection method: in vitro. Allele origin: not applicable. Functional consequence: retained intron. Not counted in ClinVar's aggregate classification.

Dr. Peter K. Rogan Lab, Western University
No classification provided (evidence only). Condition: Malignant tumor of esophagus. Review status: no classification provided. Collection method: in vitro. Allele origin: not applicable. Functional consequence: retained intron. Not counted in ClinVar's aggregate classification.

NM_001040716.2(PC):c.1022+154C>A

Gene: PC (pyruvate carboxylase; minus strand). Cytogenetic location: 11q13.2.
Variant type: single nucleotide variant.
Coding change: c.1022+154C>A on transcript NM_001040716.2 (MANE Select); 154 bases into the intron after coding-DNA position 1022, C replaced by A.
Molecular consequence: intron variant.
Genome position (GRCh38, 1-based): chr11:66,868,692, G>T on the plus strand (C>A on the coding strand, the complement: PC is on the minus strand). VCF-style: chr11-66868692-G-T. GRCh37 (hg19) VCF-style: chr11-66636163-G-T.
Other names: NC_000011.9:g.66636163G>T; c.1022+154C>A (NM_000920.4, NM_022172.3).
Identifiers: ClinVar variation 676680 (VCV000676680.3), dbSNP rs45625436, ClinGen allele CA13420063.
Genomic context (GRCh38, chr11:66,868,692, plus strand): 5'-ATTTTTATTTGCTCCTTTGTGCTGATTTTTATAATAACCACGTAATGCTTTTAGAATAAT[G>T]ACTTTTAAAACACTAAGTACCTGGATCCCCATTGCTCTCCACCAATGTGGGGAGTGAGCA-3'